The following is an entry in ClinVar:

NM_000368.5(TSC1):c.852C>T (p.Arg284=)

Gene: TSC1 (TSC complex subunit 1; minus strand). Cytogenetic location: 9q34.13.
Variant type: single nucleotide variant.
Coding change: c.852C>T on transcript NM_000368.5 (MANE Select); coding-DNA position 852, C replaced by T.
Protein change: p.Arg284=; no amino-acid change (arginine 284 retained).
Molecular consequence: synonymous variant.
Genome position (GRCh38, 1-based): chr9:132,912,343, G>A on the plus strand (C>T on the coding strand, the complement: TSC1 is on the minus strand). VCF-style: chr9-132912343-G-A. GRCh37 (hg19) VCF-style: chr9-135787730-G-A.
Other names: c.852C>T, p.Arg284= (NM_001162426.2); c.699C>T, p.Arg233= (NM_001162427.2); c.489C>T, p.Arg163= (NM_001362177.2).
Identifiers: ClinVar variation 466160 (VCV000466160.12), dbSNP rs769706203, ClinGen allele CA039195.
Genomic context (GRCh38, chr9:132,912,343, plus strand): 5'-ATAGCTATTCTGTGTGTCAGCATAAGGGCTGGTGGTGACATCGGCTGAACGATGAGGAAA[G>A]CGGGCTGAGATTTGGTGAGACACAGAATAGCCATCTTCATATGAGGCTTCTGTGGGATCC-3'
Protein context (NP_000359.1, residues 274-294): GYSVSHQISA[Arg284=]FPHRSADVTT

ClinVar aggregate classification (germline): Likely benign. Review status: criteria provided, multiple submitters, no conflicts (2 of 4 stars). 3 submissions from 3 submitters: Likely benign (3). Last evaluated 2025-01-01.

Conditions:
Tuberous sclerosis 1 (TSC1). Identifiers: Orphanet 805, MedGen C1854465, MONDO:0008612, OMIM 191100.
Hereditary cancer-predisposing syndrome. Also called: Hereditary neoplastic syndrome; Neoplastic Syndromes, Hereditary; Tumor predisposition; Hereditary Cancer Syndrome. Identifiers: Orphanet 140162, MedGen C0027672, MeSH D009386, MONDO:0015356.
Tuberous sclerosis syndrome (TSC). Also called: Tuberous Sclerosis Complex; Tuberous sclerosis. Identifiers: Orphanet 805, MedGen C0041341, MONDO:0001734.

Allele frequency attached by ClinVar (database versions not stated): gnomAD exomes below 0.00001; ExAC 0.00001.
gnomAD v4.1: 1 of 1,614,218 alleles (0.000062%); highest among the groups gnomAD compares: Admixed American, 0.0017%; no homozygotes.

Submissions (3):

Labcorp Genetics (formerly Invitae), Labcorp
Classification: Likely benign for Tuberous sclerosis 1. Last evaluated: 2025-01-01. Review status: criteria provided, single submitter. Criteria: Invitae Variant Classification Sherloc (09022015). Collection method: clinical testing. Allele origin: germline.

All of Us Research Program, National Institutes of Health
Classification: Likely benign for Tuberous sclerosis syndrome. Last evaluated: 2023-02-24. Review status: criteria provided, single submitter. Criteria: ACMG Guidelines, 2015. Collection method: clinical testing. Allele origin: germline. Inheritance: Autosomal dominant inheritance. Observed: 1 variant allele, 1 heterozygote.
Comment: This study involves interpretation of variants in research participants for the purpose of population health screening. Participant phenotype was not available at the time of variant classification. Additional details can be found in publication PMID: 35346344, PMCID: PMC8962531

Ambry Genetics
Classification: Likely benign for Hereditary cancer-predisposing syndrome. Last evaluated: 2019-10-14. Review status: criteria provided, single submitter. Criteria: Ambry Variant Classification Scheme 2023. Collection method: clinical testing. Allele origin: germline.